The following is an entry in ClinVar:

ClinVar aggregate classification (germline): Likely benign (1 of 4 stars; one submission).

Allele frequency attached by ClinVar (database versions not stated): ExAC 0.00025; gnomAD 0.00042; gnomAD exomes 0.00068.
gnomAD v4.1: 909 of 1,409,894 alleles (0.064%); highest among the groups gnomAD compares: Non-Finnish European, 0.075%; 1 homozygote.

Submission:

CeGaT Center for Human Genetics Tuebingen
Classification: Likely benign. Last evaluated: 2023-02-01. Review status: criteria provided, single submitter. Criteria: CeGaT Center For Human Genetics Tuebingen Variant Classification Criteria Version 2. Collection method: clinical testing. Allele origin: germline. Affected: yes. Observed: 1 variant allele.
Comment: MYCBP2: BP4, BP7

NM_015057.5(MYCBP2):c.45G>A (p.Ser15=)

Genes: MYCBP2 (MYC binding protein 2; minus strand), LOC130009921 (ATAC-STARR-seq lymphoblastoid silent region 5419; plus strand). Cytogenetic location: 13q22.3.
Variant type: single nucleotide variant.
Coding change: c.45G>A on transcript NM_015057.5 (MANE Select); coding-DNA position 45, G replaced by A.
Protein change: p.Ser15=; no amino-acid change (serine 15 retained).
Molecular consequence: synonymous variant.
Genome position (GRCh38, 1-based): chr13:77,326,731, C>T on the plus strand (G>A on the coding strand, the complement: MYCBP2 is on the minus strand). VCF-style: chr13-77326731-C-T. GRCh37 (hg19) VCF-style: chr13-77900866-C-T.
Identifiers: ClinVar variation 2643862 (VCV002643862.24), dbSNP rs777846312, ClinGen allele CA7010780.